The following is an entry in ClinVar:

NM_018192.4(P3H2):c.1543_1546del (p.Leu515fs)

Gene: P3H2 (prolyl 3-hydroxylase 2; minus strand). Cytogenetic location: 3q28.
Variant type: Deletion.
Coding change: c.1543_1546del on transcript NM_018192.4 (MANE Select); coding-DNA positions 1543 to 1546, 4 bases deleted (CTCA; older notation c.1543_1546delCTCA).
Protein change: p.Leu515fs; shifts the reading frame from leucine 515.
Molecular consequence: frameshift variant.
Genome position (GRCh38, 1-based): chr3:189,973,911-189,973,914, TGAG deleted on the plus strand (CTCA on the coding strand, the reverse complement: P3H2 is on the minus strand); deleting any 4 consecutive bases within chr3:189,973,911-189,973,916 gives the same sequence; the c. name uses the placement nearest the transcript's 3' end. VCF-style (leftmost placement, unchanged base first): chr3-189973910-TTGAG-T. GRCh37 (hg19) VCF-style: chr3-189691699-TTGAG-T.
Other names: c.1000_1003del, p.Leu334fs (NM_001134418.2); short protein forms L334fs, L515fs.
Identifiers: ClinVar variation 3384078 (VCV003384078.1).

ClinVar aggregate classification (germline): Likely pathogenic (1 of 4 stars; one submission).

Conditions:
Myopia. Also called: Myopia (disease). Identifiers: MedGen C0027092, MONDO:0001384, HP:0000545.

Submission:

Dubai Health Genomic Medicine Center, Dubai Health
Classification: Likely pathogenic for Myopia. Last evaluated: 2024-10-04. Review status: criteria provided, single submitter. Criteria: ACMG Guidelines, 2015. Collection method: research. Allele origin: germline. Affected: yes.
Comment: PVS1,PM2,PP1